The following is an entry in ClinVar:

NM_000051.4(ATM):c.149A>G (p.Lys50Arg)

Gene: ATM (ATM serine/threonine kinase; plus strand). Cytogenetic location: 11q22.3.
Variant type: single nucleotide variant.
Coding change: c.149A>G on transcript NM_000051.4 (MANE Select); coding-DNA position 149, A replaced by G.
Protein change: p.Lys50Arg; replaces lysine 50 with arginine.
Molecular consequence: missense variant.
Genome position (GRCh38, 1-based): chr11:108,227,852, A>G. VCF-style: chr11-108227852-A-G. GRCh37 (hg19) VCF-style: chr11-108098579-A-G.
Other names: c.149A>G, p.Lys50Arg (NM_001351834.2, NM_001351835.2, NM_001351836.2); short protein forms K50R.
Identifiers: ClinVar variation 578183 (VCV000578183.32), dbSNP rs1479478300, ClinGen allele CA382520196.
Genomic context (GRCh38, chr11:108,227,852, plus strand): 5'-TTAAGCGCCTGATTCGAGATCCTGAAACAATTAAACATCTAGATCGGCATTCAGATTCCA[A>G]ACAAGGAAAATATTTGAATTGGGATGCTGTTTTTAGGTATTCTATTCAAATTTATTTTAC-3'
Protein context (NP_000042.3, residues 40-60): IKHLDRHSDS[Lys50Arg]QGKYLNWDAV

ClinVar aggregate classification (germline): Uncertain significance. Review status: criteria provided, multiple submitters, no conflicts (2 of 4 stars). 13 submissions from 13 submitters: Uncertain significance (11). 2 of the submissions do not count toward it. Last evaluated 2025-12-09.

Conditions:
ATM-related disorder. Also called: ATM-related disorders; ATM-related condition.
Ataxia-telangiectasia syndrome (AT). Also called: Cerebello-oculocutaneous telangiectasia; Immunodeficiency with ataxia telangiectasia; Ataxia telangiectasia (A-T); Ataxia-telangiectasia, complementation group E; LOUIS-BAR SYNDROME; Ataxia-telangiectasia. Identifiers: Orphanet 100, MedGen C0004135, MONDO:0008840, OMIM 208900.
Hereditary cancer-predisposing syndrome. Also called: Hereditary neoplastic syndrome; Tumor predisposition; Hereditary Cancer Syndrome; Neoplastic Syndromes, Hereditary. Identifiers: Orphanet 140162, MedGen C0027672, MeSH D009386, MONDO:0015356.
Familial cancer of breast. Also called: hereditary breast carcinoma; BREAST CANCER, FAMILIAL; Hereditary breast cancer. Identifiers: Orphanet 227535, MedGen C0346153, MONDO:0016419, OMIM 114480. Disease mechanism: loss of function.

Allele frequency attached by ClinVar (database versions not stated): gnomAD exomes 0.00001; TOPMed 0.00003.
gnomAD v4.1: 3 of 1,613,432 alleles (0.00019%); highest among the groups gnomAD compares: Admixed American, 0.005%; no homozygotes.

Submissions (13):

Labcorp Genetics (formerly Invitae), Labcorp
Classification: Uncertain significance for Ataxia-telangiectasia syndrome. Last evaluated: 2025-12-09. Review status: criteria provided, single submitter. Criteria: Invitae Variant Classification Sherloc (09022015). Collection method: clinical testing. Allele origin: germline.
Comment: This sequence change replaces lysine, which is basic and polar, with arginine, which is basic and polar, at codon 50 of the ATM protein (p.Lys50Arg). This variant is present in population databases (no rsID available, gnomAD 0.006%). This missense change has been observed in individual(s) with breast and/or ovarian cancer (PMID: 33128190). ClinVar contains an entry for this variant (Variation ID: 578183). Invitae Evidence Modeling of protein sequence and biophysical properties (such as structural, functional, and spatial information, amino acid conservation, physicochemical variation, residue mobility, and thermodynamic stability) indicates that this missense variant is not expected to disrupt ATM protein function with a negative predictive value of 95%. In summary, the available evidence is currently insufficient to determine the role of this variant in disease. Therefore, it has been classified as a Variant of Uncertain Significance.

Quest Diagnostics Nichols Institute San Juan Capistrano
Classification: Uncertain significance. Last evaluated: 2025-09-08. Review status: criteria provided, single submitter. Criteria: Quest Diagnostics criteria. Collection method: clinical testing. Allele origin: unknown.

Institute for Biomarker Research, Medical Diagnostic Laboratories, L.L.C.
Classification: Uncertain significance for Hereditary cancer-predisposing syndrome. Last evaluated: 2025-04-18. Review status: criteria provided, single submitter. Criteria: ACMG Guidelines, 2015. Collection method: clinical testing. Allele origin: germline.
Comment: The missense variant NM_000051.4(ATM):c.149A>G (p.Lys50Arg) has not been reported previously as a pathogenic variant nor as a benign variant, to our knowledge. There is a small physicochemical difference between lysine and arginine, which is not likely to impact secondary protein structure as these residues share similar properties. The gene ATM has a low rate of benign missense variation as indicated by a high missense variants Z-Score of 2.52. For these reasons, this variant has been classified as Uncertain Significance

Women's Health and Genetics/Laboratory Corporation of America, LabCorp
Classification: Uncertain significance. Last evaluated: 2025-01-06. Review status: criteria provided, single submitter. Criteria: LabCorp Variant Classification Summary - May 2015. Collection method: clinical testing. Allele origin: germline.
Comment: Variant summary: ATM c.149A>G (p.Lys50Arg) results in a conservative amino acid change in the encoded protein sequence. Five of five in-silico tools predict a benign effect of the variant on protein function. The variant allele was found at a frequency of 8e-06 in 251096 control chromosomes (gnomAD). The available data on variant occurrences in the general population are insufficient to allow any conclusion about variant significance. c.149A>G has been reported in the literature in an individual(s) affected with Breast and/or Ovarian Cancer (Gomes_2021). This report does not provide unequivocal conclusions about association of the variant with Breast Cancer. To our knowledge, no experimental evidence demonstrating an impact on protein function has been reported. The following publication has been ascertained in the context of this evaluation (PMID: 33128190). ClinVar contains an entry for this variant (Variation ID: 578183). Based on the evidence outlined above, the variant was classified as uncertain significance.

Color Diagnostics, LLC DBA Color Health
Classification: Uncertain significance for Hereditary cancer-predisposing syndrome. Last evaluated: 2024-03-06. Review status: criteria provided, single submitter. Criteria: ACMG Guidelines, 2015. Collection method: clinical testing. Allele origin: germline.
Comment: This missense variant replaces lysine with arginine at codon 50 of the ATM protein. Computational prediction suggests that this variant may not impact protein structure and function (internally defined REVEL score threshold <= 0.5, PMID: 27666373). To our knowledge, functional studies have not been reported for this variant. This variant has not been reported in individuals affected with hereditary cancer in the literature. This variant has been identified in 2/251096 chromosomes in the general population by the Genome Aggregation Database (gnomAD). The available evidence is insufficient to determine the role of this variant in disease conclusively. Therefore, this variant is classified as a Variant of Uncertain Significance.

Ambry Genetics
Classification: Uncertain significance for Hereditary cancer-predisposing syndrome. Last evaluated: 2024-03-05. Review status: criteria provided, single submitter. Criteria: Ambry Variant Classification Scheme 2023. Collection method: clinical testing. Allele origin: germline.
Comment: The p.K50R variant (also known as c.149A>G), located in coding exon 2 of the ATM gene, results from an A to G substitution at nucleotide position 149. The lysine at codon 50 is replaced by arginine, an amino acid with highly similar properties. This amino acid position is well conserved in available vertebrate species. In addition, this alteration is predicted to be tolerated by in silico analysis. Since supporting evidence is limited at this time, the clinical significance of this alteration remains unclear.

GeneDx
Classification: Uncertain significance. Last evaluated: 2024-02-13. Review status: criteria provided, single submitter. Criteria: GeneDx Variant Classification Process June 2021. Collection method: clinical testing. Allele origin: germline. Affected: yes.
Comment: Not observed at significant frequency in large population cohorts (gnomAD); In silico analysis supports that this missense variant does not alter protein structure/function; Has not been previously published as pathogenic or benign to our knowledge

Baylor Genetics
Classification: Uncertain significance for Familial cancer of breast. Last evaluated: 2024-02-08. Review status: criteria provided, single submitter. Criteria: ACMG Guidelines, 2015. Collection method: clinical testing. Allele origin: unknown.

St. Jude Molecular Pathology, St. Jude Children's Research Hospital
Classification: Uncertain significance for Familial cancer of breast. Last evaluated: 2023-11-21. Review status: criteria provided, single submitter. Criteria: St. Jude Assertion Criteria 2020. Collection method: clinical testing. Allele origin: germline.
Comment: The ATM c.149A>G (p.Lys50Arg) missense change has a maximum subpopulation frequency of 0.0058% in gnomAD v2.1.1. The in silico tool REVEL predicts a benign effect on protein function, but to our knowledge this prediction has not been confirmed by functional studies. This variant is absent in a database of women older than 70 years of age who have never had cancer (FLOSSIES database). To our knowledge, this variant has not been reported in the literature in individuals with breast cancer or ataxia telangiectasia. In summary, the evidence currently available is insufficient to determine the clinical significance of this variant. It has therefore been classified as of uncertain significance.

Sema4
Classification: Uncertain significance for Hereditary cancer-predisposing syndrome. Last evaluated: 2021-08-05. Review status: criteria provided, single submitter. Criteria: Sema4 Curation Guidelines. Collection method: curation. Allele origin: germline.
Comment: The ATM c.149A>G (p.K50R) variant has not been reported in literature to our knowledge. This variant was observed in 2/34548 chromosomes in the Latino population, according to the Genome Aggregation Database (PMID: 32461654). This variant has been reported in ClinVar (Variation ID 578183). Functional studies have not been performed, and in silico predictions of the variant's effect on protein function are inconclusive. The overall evidence is insufficient to meet ACMG/AMP criteria for classifying it as benign or pathogenic. In summary, the clinical significance of this variant is currently uncertain.

Mendelics
Classification: Uncertain significance for Ataxia-telangiectasia syndrome. Last evaluated: 2019-05-28. Review status: criteria provided, single submitter. Criteria: Mendelics Assertion Criteria 2017. Collection method: clinical testing. Allele origin: unknown.

PreventionGenetics, part of Exact Sciences
Classification: Uncertain significance for ATM-related condition. Last evaluated: 2024-08-09. Review status: no assertion criteria provided. Collection method: clinical testing. Allele origin: germline. Not counted in ClinVar's aggregate classification.
Comment: The ATM c.149A>G variant is predicted to result in the amino acid substitution p.Lys50Arg. To our knowledge, this variant has not been reported in the literature. This variant is reported in 0.0058% of alleles in individuals of Latino descent in gnomAD and is interpreted as uncertain in ClinVar. At this time, the clinical significance of this variant is uncertain due to the absence of conclusive functional and genetic evidence.

Natera, Inc.
Classification: Uncertain significance for Ataxia-telangiectasia. Last evaluated: 2021-01-25. Review status: no assertion criteria provided. Collection method: clinical testing. Allele origin: germline. Not counted in ClinVar's aggregate classification.

Literature cited by the submitters: PubMed 33128190 (cited by Labcorp Genetics (formerly Invitae), Labcorp and Women's Health and Genetics/Laboratory Corporation of America, LabCorp).